The following is an entry in ClinVar:

NM_138927.4(SON):c.884dup (p.Val296fs)

Gene: SON (SON DNA and RNA binding protein; plus strand). Cytogenetic location: 21q22.11.
Variant type: Duplication.
Coding change: c.884dup on transcript NM_138927.4 (MANE Select); coding-DNA position 884, one base duplicated (C; older notation c.884dupC).
Protein change: p.Val296fs; shifts the reading frame from valine 296.
Molecular consequence: frameshift variant. On other transcripts: non-coding transcript variant (1), intron variant (1).
Genome position (GRCh38, 1-based): chr21:33,550,115, C duplicated; the last of 5 consecutive C bases (chr21:33,550,111-33,550,115); duplicating any one gives the same sequence. VCF-style (leftmost placement, unchanged base first): chr21-33550110-G-GC. GRCh37 (hg19) VCF-style: chr21-34922416-G-GC.
Other names: c.884dup, p.Val296fs (NM_001291411.2, NM_032195.3); c.244+3736dup (NM_001291412.3); c.884dupC (NM_138927.4); short protein forms V296fs.
Identifiers: ClinVar variation 3764585 (VCV003764585.1).

ClinVar aggregate classification (germline): Pathogenic (1 of 4 stars; one submission).

Conditions:
ZTTK syndrome (ZTTKS). Also called: ZTTK MULTIPLE CONGENITAL ANOMALIES-MENTAL RETARDATION SYNDROME; Zhu-Tokita-Takenouchi-Kim Syndrome. Identifiers: Orphanet 500150, MedGen C4310696, MONDO:0014936, OMIM 617140.

Submission:

Daryl Scott Lab, Baylor College of Medicine
Classification: Pathogenic for ZTTK syndrome. Last evaluated: 2024-01-01. Review status: criteria provided, single submitter. Criteria: ACMG Guidelines, 2015. Collection method: clinical testing. Allele origin: de novo. Affected: yes. Observed: 1 heterozygote.
Comment: PVS1, PM2